The following is an entry in ClinVar:

ClinVar aggregate classification (germline): Pathogenic/Likely pathogenic. Review status: criteria provided, multiple submitters, no conflicts (2 of 4 stars). 4 submissions from 4 submitters: Pathogenic (3); Likely pathogenic (1). Last evaluated 2024-11-18.

Conditions:
Familial cancer of breast. Also called: Hereditary breast cancer; hereditary breast carcinoma; BREAST CANCER, FAMILIAL. Identifiers: Orphanet 227535, MedGen C0346153, MONDO:0016419, OMIM 114480. Disease mechanism: loss of function.
Hereditary cancer-predisposing syndrome. Also called: Neoplastic Syndromes, Hereditary; Hereditary Cancer Syndrome; Tumor predisposition; Hereditary neoplastic syndrome. Identifiers: Orphanet 140162, MedGen C0027672, MeSH D009386, MONDO:0015356.

Submissions (4):

Labcorp Genetics (formerly Invitae), Labcorp
Classification: Pathogenic for Familial cancer of breast. Last evaluated: 2024-11-18. Review status: criteria provided, single submitter. Criteria: Invitae Variant Classification Sherloc (09022015). Collection method: clinical testing. Allele origin: germline.
Comment: This sequence change creates a premature translational stop signal (p.Lys279Serfs*2) in the CHEK2 gene. It is expected to result in an absent or disrupted protein product. Loss-of-function variants in CHEK2 are known to be pathogenic (PMID: 21876083, 24713400). This variant is not present in population databases (gnomAD no frequency). This premature translational stop signal has been observed in individual(s) with CHEK2-related conditions (PMID: 32805687). ClinVar contains an entry for this variant (Variation ID: 545765). For these reasons, this variant has been classified as Pathogenic.

Ambry Genetics
Classification: Pathogenic for Hereditary cancer-predisposing syndrome. Last evaluated: 2024-08-19. Review status: criteria provided, single submitter. Criteria: Ambry Variant Classification Scheme 2023. Collection method: clinical testing. Allele origin: germline.
Comment: The c.836delA pathogenic mutation, located in coding exon 6 of the CHEK2 gene, results from a deletion of one nucleotide at nucleotide position 836, causing a translational frameshift with a predicted alternate stop codon (p.K279Sfs*2). This variant is considered to be rare based on population cohorts in the Genome Aggregation Database (gnomAD). This alteration is expected to result in loss of function by premature protein truncation or nonsense-mediated mRNA decay. As such, this alteration is interpreted as a disease-causing mutation.

Myriad Genetics, Inc.
Classification: Pathogenic for Familial cancer of breast. Last evaluated: 2023-06-27. Review status: criteria provided, single submitter. Criteria: Myriad Autosomal Dominant, Autosomal Recessive and X-Linked Classification Criteria (2023). Collection method: clinical testing. Allele origin: unknown.
Comment: This variant is considered pathogenic. This variant creates a frameshift predicted to result in premature protein truncation.

GeneDx
Classification: Likely pathogenic. Last evaluated: 2017-02-06. Review status: criteria provided, single submitter. Criteria: GeneDx Variant Classification (06012015). Collection method: clinical testing. Allele origin: germline. Affected: yes.
Comment: This deletion of one nucleotide in CHEK2 is denoted c.836delA at the cDNA level and p.Lys279SerfsX2 (K279SfsX2) at the protein level. The normal sequence, with the base that is deleted in brackets, is GAAAA[delA]GCTA. The deletion causes a frameshift which changes a Lysine to a Serine at codon 279, and creates a premature stop codon at position 2 of the new reading frame. Although this variant has not, to our knowledge, been reported in the literature, it is predicted to cause loss of normal protein function through either protein truncation or nonsense-mediated mRNA decay. Based on the currently available information, we consider this deletion to be a likely pathogenic variant.

Literature cited by the submitters: PubMed 21876083 (cited by Labcorp Genetics (formerly Invitae), Labcorp); PubMed 24713400 (cited by Labcorp Genetics (formerly Invitae), Labcorp); PubMed 32805687 (cited by Labcorp Genetics (formerly Invitae), Labcorp).

NM_007194.4(CHEK2):c.836del (p.Lys279fs)

Gene: CHEK2 (checkpoint kinase 2; minus strand). Cytogenetic location: 22q12.1.
Variant type: Deletion.
Coding change: c.836del on transcript NM_007194.4 (MANE Select); coding-DNA position 836, one base deleted (A; older notation c.836delA).
Protein change: p.Lys279fs; shifts the reading frame from lysine 279.
Molecular consequence: frameshift variant.
Genome position (GRCh38, 1-based): chr22:28,710,016, T deleted on the plus strand (A on the coding strand, the reverse complement: CHEK2 is on the minus strand); the first of 5 consecutive T bases (chr22:28,710,016-28,710,020); deleting any one gives the same sequence. VCF-style (leftmost placement, unchanged base first): chr22-28710015-CT-C. GRCh37 (hg19) VCF-style: chr22-29106003-CT-C.
Other names: c.961delA, p.Lys322Serfs (NM_001005735.3); c.169delA, p.Lys58Serfs (NM_001257387.3); c.631delA, p.Lys212Serfs (NM_001349956.3); c.832delA, p.Lys279Serfs (NM_145862.3); short protein forms K212fs, K279fs, K322fs, K58fs.
Identifiers: ClinVar variation 545765 (VCV000545765.11), dbSNP rs1555920142, ClinGen allele CA658824096.